The following is an entry in ClinVar:

NM_020919.4(ALS2):c.2016_2026del (p.Val673fs)

Gene: ALS2 (alsin Rho guanine nucleotide exchange factor ALS2; minus strand). Cytogenetic location: 2q33.1.
Variant type: Deletion.
Coding change: c.2016_2026del on transcript NM_020919.4 (MANE Select); coding-DNA positions 2016 to 2026, 11 bases deleted (AGTGACAGCAG).
Protein change: p.Val673fs; shifts the reading frame from valine 673.
Molecular consequence: frameshift variant.
Genome position (GRCh38, 1-based): chr2:201,744,402-201,744,412, CTGCTGTCACT deleted on the plus strand (AGTGACAGCAG on the coding strand, the reverse complement: ALS2 is on the minus strand); deleting any 11 consecutive bases within chr2:201,744,402-201,744,417 gives the same sequence; the c. name uses the placement nearest the transcript's 3' end. VCF-style (leftmost placement, unchanged base first): chr2-201744401-CCTGCTGTCACT-C. GRCh37 (hg19) VCF-style: chr2-202609124-CCTGCTGTCACT-C.
Other names: short protein forms V673fs.
Identifiers: ClinVar variation 946562 (VCV000946562.3), dbSNP rs1692492382, ClinGen allele CA1139655774.

ClinVar aggregate classification (germline): Pathogenic (1 of 4 stars; one submission).

Conditions:
Infantile-onset ascending hereditary spastic paralysis (IAHSP). Also called: Autosomal Recessive Juvenile Amyotrophic Lateral Sclerosis; Infantile-Onset Ascending Hereditary Spastic Paralysis (IAHSP). Identifiers: Orphanet 293168, MedGen C2931441, MONDO:0011797, OMIM 607225. Disease mechanism: loss of function.

Submission:

Labcorp Genetics (formerly Invitae), Labcorp
Classification: Pathogenic for Infantile-onset ascending hereditary spastic paralysis. Last evaluated: 2019-04-18. Review status: criteria provided, single submitter. Criteria: Invitae Variant Classification Sherloc (09022015). Collection method: clinical testing. Allele origin: germline.
Comment: This sequence change creates a premature translational stop signal (p.Val673Lysfs*3) in the ALS2 gene. It is expected to result in an absent or disrupted protein product. This variant is not present in population databases (ExAC no frequency). This variant has not been reported in the literature in individuals with ALS2-related conditions. Loss-of-function variants in ALS2 are known to be pathogenic (PMID: 11586298, 24315819). For these reasons, this variant has been classified as Pathogenic.

Literature cited by the submitters: PubMed 11586298; PubMed 24315819.